The following is an entry in ClinVar:

NM_014727.3(KMT2B):c.5740C>T (p.Arg1914Cys)

Gene: KMT2B (lysine methyltransferase 2B; plus strand). Cytogenetic location: 19q13.12.
Variant type: single nucleotide variant.
Coding change: c.5740C>T on transcript NM_014727.3 (MANE Select); coding-DNA position 5740, C replaced by T.
Protein change: p.Arg1914Cys; replaces arginine 1914 with cysteine.
Molecular consequence: missense variant.
Genome position (GRCh38, 1-based): chr19:35,732,289, C>T. VCF-style: chr19-35732289-C-T. GRCh37 (hg19) VCF-style: chr19-36223190-C-T.
Other names: short protein forms R1914C.
Identifiers: ClinVar variation 1048817 (VCV001048817.5), dbSNP rs949745356, ClinGen allele CA307795532.

ClinVar aggregate classification (germline): Uncertain significance. Review status: criteria provided, multiple submitters, no conflicts (2 of 4 stars). 3 submissions from 3 submitters: Uncertain significance (2). 1 of the submissions does not count toward it. Last evaluated 2024-05-29.

Allele frequency attached by ClinVar (database versions not stated): gnomAD exomes below 0.00001; gnomAD 0.00001; TOPMed 0.00002.
gnomAD v4.1: 24 of 1,610,770 alleles (0.0015%); highest among the groups gnomAD compares: African/African-American, 0.004%; no homozygotes.

Submissions (3):

Blueprint Genetics
Classification: Uncertain significance. Last evaluated: 2024-05-29. Review status: criteria provided, single submitter. Criteria: ACMG Guidelines, 2015. Collection method: clinical testing. Allele origin: germline.

Labcorp Genetics (formerly Invitae), Labcorp
Classification: Uncertain significance. Last evaluated: 2023-06-29. Review status: criteria provided, single submitter. Criteria: Invitae Variant Classification Sherloc (09022015). Collection method: clinical testing. Allele origin: germline.
Comment: In summary, the available evidence is currently insufficient to determine the role of this variant in disease. Therefore, it has been classified as a Variant of Uncertain Significance. Advanced modeling of protein sequence and biophysical properties (such as structural, functional, and spatial information, amino acid conservation, physicochemical variation, residue mobility, and thermodynamic stability) has been performed at Invitae for this missense variant, however the output from this modeling did not meet the statistical confidence thresholds required to predict the impact of this variant on KMT2B protein function. ClinVar contains an entry for this variant (Variation ID: 1048817). This variant has not been reported in the literature in individuals affected with KMT2B-related conditions. This variant is present in population databases (no rsID available, gnomAD 0.0009%). This sequence change replaces arginine, which is basic and polar, with cysteine, which is neutral and slightly polar, at codon 1914 of the KMT2B protein (p.Arg1914Cys).

Department of Pathology and Laboratory Medicine, Sinai Health System
Classification: Uncertain significance. Review status: no assertion criteria provided. Collection method: clinical testing. Allele origin: unknown. Affected: yes. Study: The Canadian Open Genetics Repository (COGR). Not counted in ClinVar's aggregate classification.
Comment: The KMT2B p.Arg1914Cys variant was not identified in the literature nor was it identified in ClinVar, Cosmic or LOVD 3.0. The variant was identified in dbSNP (ID: rs949745356) and in control databases in 1 of 241572 chromosomes at a frequency of 0.000004 (Genome Aggregation Database Feb 27, 2017). The variant was observed in the European (non-Finnish) population in 1 of 108870 chromosomes (freq: 0.000009), but was not observed in the African, Latino, Ashkenazi Jewish, East Asian, European (Finnish), Other or South Asian populations. The p.Arg1914 residue is conserved in mammals and computational analyses (PolyPhen-2, SIFT, AlignGVGD, BLOSUM, MutationTaster) provide inconsistent predictions regarding the impact to the protein; this information is not very predictive of pathogenicity. The variant occurs outside of the splicing consensus sequence and in silico or computational prediction software programs (SpliceSiteFinder, MaxEntScan, NNSPLICE, GeneSplicer) do not predict a difference in splicing. In summary, based on the above information the clinical significance of this variant cannot be determined with certainty at this time. This variant is classified as a variant of uncertain significance.